The following is an entry in ClinVar:

NM_152703.5(SAMD9L):c.2561G>T (p.Ser854Ile)

Gene: SAMD9L (sterile alpha motif domain containing 9 like; minus strand). Cytogenetic location: 7q21.2.
Variant type: single nucleotide variant.
Coding change: c.2561G>T on transcript NM_152703.5 (MANE Select); coding-DNA position 2561, G replaced by T.
Protein change: p.Ser854Ile; replaces serine 854 with isoleucine.
Molecular consequence: missense variant.
Genome position (GRCh38, 1-based): chr7:93,133,411, C>A on the plus strand (G>T on the coding strand, the complement: SAMD9L is on the minus strand). VCF-style: chr7-93133411-C-A. GRCh37 (hg19) VCF-style: chr7-92762724-C-A.
Other names: c.2561G>T, p.Ser854Ile (NM_001303496.3, NM_001303497.3, NM_001303498.3 and 5 more transcripts); short protein forms S854I.
Identifiers: ClinVar variation 4159297 (VCV004159297.1).

ClinVar aggregate classification (germline): Uncertain significance (1 of 4 stars; one submission).

Conditions:
Inborn genetic diseases. Identifiers: MedGen C0950123, MeSH D030342.

Submission:

Ambry Genetics
Classification: Uncertain significance for Inborn genetic diseases. Last evaluated: 2025-07-05. Review status: criteria provided, single submitter. Criteria: Ambry Variant Classification Scheme 2023. Collection method: clinical testing. Allele origin: germline.
Comment: The p.S854I variant (also known as c.2561G>T), located in coding exon 1 of the SAMD9L gene, results from a G to T substitution at nucleotide position 2561. The serine at codon 854 is replaced by isoleucine, an amino acid with dissimilar properties. This amino acid position is conserved. In addition, this alteration is predicted to be tolerated by in silico analysis. Based on the available evidence, the clinical significance of this variant remains unclear.